The following is an entry in ClinVar:

NM_000528.4(MAN2B1):c.1468_1469del (p.Phe490fs)

Gene: MAN2B1 (mannosidase alpha class 2B member 1; minus strand). Cytogenetic location: 19p13.13.
Variant type: Deletion.
Coding change: c.1468_1469del on transcript NM_000528.4 (MANE Select); coding-DNA positions 1468 to 1469, 2 bases deleted (TT; older notation c.1468_1469delTT).
Protein change: p.Phe490fs; shifts the reading frame from phenylalanine 490.
Molecular consequence: frameshift variant.
Genome position (GRCh38, 1-based): chr19:12,657,007-12,657,008, AA deleted on the plus strand (TT on the coding strand, the reverse complement: MAN2B1 is on the minus strand). VCF-style (leftmost placement, unchanged base first): chr19-12657006-GAA-G. GRCh37 (hg19) VCF-style: chr19-12767820-GAA-G.
Other names: c.1465_1466del, p.Phe489fs (NM_001173498.2); short protein forms F489fs, F490fs.
Identifiers: ClinVar variation 1366519 (VCV001366519.6), dbSNP rs2145254277, ClinGen allele CA2573156056.
Genomic context (GRCh38, chr19:12,657,006, plus strand): 5'-CACGCGCGCCGCCGTCTGGCTGAGCGGGCAGATGCTGATGTTTAGCTGTTGGCAAAAGGT[GAA>G]GTGATCTTTGAAGCCTCTGAGCCGCGCCAGCGCGTTGCTCAGAAGAACCTGCGGAAGAGC-3'

ClinVar aggregate classification (germline): Pathogenic (1 of 4 stars; one submission).

Conditions:
Deficiency of alpha-mannosidase (MANSA). Also called: Mannosidosis, alpha-, types I and II; LYSOSOMAL ALPHA-D-MANNOSIDASE DEFICIENCY; Alpha-Mannosidosis. Identifiers: Orphanet 61, MedGen C0024748, MONDO:0009561, OMIM 248500.

Submission:

Labcorp Genetics (formerly Invitae), Labcorp
Classification: Pathogenic for Deficiency of alpha-mannosidase. Last evaluated: 2021-03-23. Review status: criteria provided, single submitter. Criteria: Invitae Variant Classification Sherloc (09022015). Collection method: clinical testing. Allele origin: germline.
Comment: For these reasons, this variant has been classified as Pathogenic. This variant has not been reported in the literature in individuals with MAN2B1-related conditions. This variant is not present in population databases (ExAC no frequency). This sequence change creates a premature translational stop signal (p.Phe490Hisfs*26) in the MAN2B1 gene. It is expected to result in an absent or disrupted protein product. Loss-of-function variants in MAN2B1 are known to be pathogenic (PMID: 9915946, 22161967).

Literature cited by the submitters: PubMed 9915946; PubMed 22161967.